The following is an entry in ClinVar:

ClinVar aggregate classification (germline): Uncertain significance (1 of 4 stars; one submission).

Submission:

Labcorp Genetics (formerly Invitae), Labcorp
Classification: Uncertain significance. Last evaluated: 2023-01-03. Review status: criteria provided, single submitter. Criteria: Invitae Variant Classification Sherloc (09022015). Collection method: clinical testing. Allele origin: germline.
Comment: This variant has not been reported in the literature in individuals affected with ZIC1-related conditions. This variant is not present in population databases (gnomAD no frequency). This sequence change replaces valine, which is neutral and non-polar, with methionine, which is neutral and non-polar, at codon 202 of the ZIC1 protein (p.Val202Met). In summary, the available evidence is currently insufficient to determine the role of this variant in disease. Therefore, it has been classified as a Variant of Uncertain Significance. Algorithms developed to predict the effect of missense changes on protein structure and function output the following: SIFT: "Tolerated"; PolyPhen-2: "Benign"; Align-GVGD: "Class C0". The methionine amino acid residue is found in multiple mammalian species, which suggests that this missense change does not adversely affect protein function.

NM_003412.4(ZIC1):c.604G>A (p.Val202Met)

Gene: ZIC1 (Zic family zinc finger 1; plus strand). Cytogenetic location: 3q24.
Variant type: single nucleotide variant.
Coding change: c.604G>A on transcript NM_003412.4 (MANE Select); coding-DNA position 604, G replaced by A.
Protein change: p.Val202Met; replaces valine 202 with methionine.
Molecular consequence: missense variant.
Genome position (GRCh38, 1-based): chr3:147,410,716, G>A. VCF-style: chr3-147410716-G-A. GRCh37 (hg19) VCF-style: chr3-147128503-G-A.
Other names: short protein forms V202M.
Identifiers: ClinVar variation 2971979 (VCV002971979.3), dbSNP rs1204029433, ClinGen allele CA354897053.